The following is an entry in ClinVar:

NM_003737.4(DCHS1):c.6359G>C (p.Ser2120Thr)

Gene: DCHS1 (dachsous cadherin-related 1; minus strand). Cytogenetic location: 11p15.4.
Variant type: single nucleotide variant.
Coding change: c.6359G>C on transcript NM_003737.4 (MANE Select); coding-DNA position 6359, G replaced by C.
Protein change: p.Ser2120Thr; replaces serine 2120 with threonine.
Molecular consequence: missense variant.
Genome position (GRCh38, 1-based): chr11:6,626,557, C>G on the plus strand (G>C on the coding strand, the complement: DCHS1 is on the minus strand). VCF-style: chr11-6626557-C-G. GRCh37 (hg19) VCF-style: chr11-6647788-C-G.
Other names: short protein forms S2120T.
Identifiers: ClinVar variation 3665405 (VCV003665405.2).

ClinVar aggregate classification (germline): Uncertain significance (1 of 4 stars; one submission).

gnomAD v4.1: 1 of 1,613,942 alleles (0.000062%); highest among the groups gnomAD compares: Non-Finnish European, 0.000085%; no homozygotes.

Submission:

Labcorp Genetics (formerly Invitae), Labcorp
Classification: Uncertain significance. Last evaluated: 2024-09-16. Review status: criteria provided, single submitter. Criteria: Invitae Variant Classification Sherloc (09022015). Collection method: clinical testing. Allele origin: germline.
Comment: This sequence change replaces serine, which is neutral and polar, with threonine, which is neutral and polar, at codon 2120 of the DCHS1 protein (p.Ser2120Thr). This variant is not present in population databases (gnomAD no frequency). This variant has not been reported in the literature in individuals affected with DCHS1-related conditions. Invitae Evidence Modeling of protein sequence and biophysical properties (such as structural, functional, and spatial information, amino acid conservation, physicochemical variation, residue mobility, and thermodynamic stability) indicates that this missense variant is expected to disrupt DCHS1 protein function with a positive predictive value of 80%. In summary, the available evidence is currently insufficient to determine the role of this variant in disease. Therefore, it has been classified as a Variant of Uncertain Significance.